The following is an entry in ClinVar:

NM_001253697.2(ERBIN):c.1640A>T (p.Asp547Val)

Gene: ERBIN (erbb2 interacting protein; plus strand). Cytogenetic location: 5q12.3.
Variant type: single nucleotide variant.
Coding change: c.1640A>T on transcript NM_001253697.2 (MANE Select); coding-DNA position 1640, A replaced by T.
Protein change: p.Asp547Val; replaces aspartic acid 547 with valine.
Molecular consequence: missense variant.
Genome position (GRCh38, 1-based): chr5:66,046,390, A>T. VCF-style: chr5-66046390-A-T. GRCh37 (hg19) VCF-style: chr5-65342218-A-T.
Other names: c.1640A>T, p.Asp547Val (NM_001006600.3, NM_001253698.2, NM_001253699.2 and 1 more transcripts); c.1628A>T, p.Asp543Val (NM_001253701.2); short protein forms D543V, D547V.
Identifiers: ClinVar variation 2106987 (VCV002106987.4), dbSNP rs149251650, ClinGen allele CA3286311.

ClinVar aggregate classification (germline): Uncertain significance (1 of 4 stars; one submission).

Allele frequency attached by ClinVar (database versions not stated): gnomAD exomes below 0.00001; ExAC 0.00001; gnomAD 0.00001; TOPMed 0.00001; ESP Exome Variant Server 0.00008.
gnomAD v4.1: 2 of 1,600,506 alleles (0.00012%); highest among the groups gnomAD compares: African/African-American, 0.0027%; no homozygotes.

Submission:

Labcorp Genetics (formerly Invitae), Labcorp
Classification: Uncertain significance. Last evaluated: 2024-06-23. Review status: criteria provided, single submitter. Criteria: Invitae Variant Classification Sherloc (09022015). Collection method: clinical testing. Allele origin: germline.
Comment: This sequence change replaces aspartic acid, which is acidic and polar, with valine, which is neutral and non-polar, at codon 547 of the ERBIN protein (p.Asp547Val). This variant is present in population databases (rs149251650, gnomAD 0.01%). This variant has not been reported in the literature in individuals affected with ERBIN-related conditions. ClinVar contains an entry for this variant (Variation ID: 2106987). An algorithm developed to predict the effect of missense changes on protein structure and function (PolyPhen-2) suggests that this variant is likely to be disruptive. In summary, the available evidence is currently insufficient to determine the role of this variant in disease. Therefore, it has been classified as a Variant of Uncertain Significance.